The following is an entry in ClinVar:

NM_001148.6(ANK2):c.10425A>G (p.Ile3475Met)

Gene: ANK2 (ankyrin 2; plus strand). Cytogenetic location: 4q26.
Variant type: single nucleotide variant.
Coding change: c.10425A>G on transcript NM_001148.6 (MANE Select); coding-DNA position 10425, A replaced by G.
Protein change: p.Ile3475Met; replaces isoleucine 3475 with methionine.
Molecular consequence: missense variant. On other transcripts: intron variant (68).
Genome position (GRCh38, 1-based): chr4:113,359,043, A>G. VCF-style: chr4-113359043-A-G. GRCh37 (hg19) VCF-style: chr4-114280199-A-G.
Other names: c.10191A>G, p.Ile3397Met (NM_001386142.1); c.6825A>G, p.Ile2275Met (NM_001386166.1); c.10566A>G, p.Ile3522Met (NM_001386174.1); c.10542A>G, p.Ile3514Met (NM_001386175.1); c.4412-1780A>G (NM_001386186.2, NM_001386148.2); c.4214-1780A>G (NM_001354269.3); c.4292-1780A>G (NM_001386187.2); c.4253-1780A>G (NM_001386147.1); and 35 more; short protein forms I3475M, I2275M, I3397M, I3514M, I3522M.
Identifiers: ClinVar variation 496105 (VCV000496105.1), dbSNP rs1554572397, ClinGen allele CA357940385.

ClinVar aggregate classification (germline): Uncertain significance (1 of 4 stars; one submission).

Submission:

Women's Health and Genetics/Laboratory Corporation of America, LabCorp
Classification: Uncertain significance. Last evaluated: 2017-07-03. Review status: criteria provided, single submitter. Criteria: LabCorp Variant Classification Summary - May 2015. Collection method: clinical testing. Allele origin: germline.
Comment: Variant summary: The c.10425A>G (p.Ile3475Met) in BRCA2 gene is a missense variant involves a non-conserved nucleotide and 2/5 in silico tools predict damaging outcome, however no functional studies supporting these predictions were published at the time of evaluation. The variant is absent from the control population datasets of ExAC and gnomAD. To our knowledge, the variant has not been reported in affected individuals via published reports or was cited by reputable databases/clinical laboratories. Taken together, the variant was classified as VUS, until new information becomes available.